The following is an entry in ClinVar:

ClinVar aggregate classification (germline): Likely pathogenic (1 of 4 stars; one submission).

Submission:

GeneDx
Classification: Likely pathogenic. Last evaluated: 2026-09-08. Review status: criteria provided, single submitter. Criteria: GeneDx Variant Classification Process June 2021. Collection method: clinical testing. Allele origin: germline.
Comment: Not observed at significant frequency in large population cohorts (gnomAD); In silico analysis supports that this missense variant has a deleterious effect on protein structure/function; This variant is associated with the following publications: (PMID: 28182693, 18781618)

NM_003242.6(TGFBR2):c.1276G>A (p.Ala426Thr)

Gene: TGFBR2 (transforming growth factor beta receptor 2; plus strand). Cytogenetic location: 3p24.1.
Variant type: single nucleotide variant.
Coding change: c.1276G>A on transcript NM_003242.6 (MANE Select); coding-DNA position 1276, G replaced by A.
Protein change: p.Ala426Thr; replaces alanine 426 with threonine.
Molecular consequence: missense variant.
Genome position (GRCh38, 1-based): chr3:30,674,126, G>A. VCF-style: chr3-30674126-G-A. GRCh37 (hg19) VCF-style: chr3-30715618-G-A.
Other names: p.A426T:GCT>ACT; c.1351G>A, p.Ala451Thr (NM_001024847.3); c.1459G>A, p.Ala487Thr (NM_001407126.1); c.1384G>A, p.Ala462Thr (NM_001407127.1); c.1303G>A, p.Ala435Thr (NM_001407128.1); c.1279G>A, p.Ala427Thr (NM_001407129.1); c.1276G>A, p.Ala426Thr (NM_001407130.1); c.1171G>A, p.Ala391Thr (NM_001407132.1, NM_001407133.1, NM_001407134.1 and 2 more transcripts); and 2 more; short protein forms A426T, A451T, A331T, A306T, A391T, A487T, A427T, A435T.
Identifiers: ClinVar variation 213929 (VCV000213929.4), dbSNP rs863223849, ClinGen allele CA321583.
Genomic context (GRCh38, chr3:30,674,126, plus strand): 5'-GAATTAAATGATGGGCCTCACTGTCTGTTTTTGCTATAGGTGGGAACTGCAAGATACATG[G>A]CTCCAGAAGTCCTAGAATCCAGGATGAATTTGGAGAATGTTGAGTCCTTCAAGCAGACCG-3'
Protein context (NP_003233.4, residues 416-436): SGQVGTARYM[Ala426Thr]PEVLESRMNL